The following is an entry in ClinVar:

NM_002474.3(MYH11):c.3198C>T (p.Asp1066=)

Gene: MYH11 (myosin heavy chain 11; minus strand). Cytogenetic location: 16p13.11.
Variant type: single nucleotide variant.
Coding change: c.3198C>T on transcript NM_002474.3 (MANE Select); coding-DNA position 3198, C replaced by T.
Protein change: p.Asp1066=; no amino-acid change (aspartic acid 1066 retained).
Molecular consequence: synonymous variant.
Genome position (GRCh38, 1-based): chr16:15,737,544, G>A on the plus strand (C>T on the coding strand, the complement: MYH11 is on the minus strand). VCF-style: chr16-15737544-G-A. GRCh37 (hg19) VCF-style: chr16-15831401-G-A.
Other names: c.3198C>T, p.Asp1066= (NM_022844.3); c.3219C>T, p.Asp1073= (NM_001040113.2, NM_001040114.2).
Identifiers: ClinVar variation 919202 (VCV000919202.10), dbSNP rs757270167, ClinGen allele CA7922065.
Genomic context (GRCh38, chr16:15,737,544, plus strand): 5'-GGCCAGCTGCATCTTGAGCTCTGCGATCTGCGCCTGGAGGTCAGCGATCTGCTCGTGGAA[G>A]TCGCTGGCATCACCCTCCAGCTTCCGTTTCAGCTTCTCCAGCTCCTGTCGGCTCTTCTCT-3'
Protein context (NP_002465.1, residues 1056-1076): LKRKLEGDAS[Asp1066=]FHEQIADLQA

ClinVar aggregate classification (germline): Likely benign. Review status: criteria provided, multiple submitters, no conflicts (2 of 4 stars). 5 submissions from 5 submitters: Likely benign (5). Last evaluated 2025-03-31.

Conditions:
Familial thoracic aortic aneurysm and aortic dissection (TAAD). Also called: Thoracic aortic aneurysms and dissections. Identifiers: Orphanet 91387, MedGen C4707243, MONDO:0019625.
Aortic aneurysm, familial thoracic 4 (AAT4). Also called: AORTIC ANEURYSM/AORTIC DISSECTION AND PATENT DUCTUS ARTERIOSUS. Identifiers: MedGen C1851504, MONDO:0007568, OMIM 132900.

Allele frequency attached by ClinVar (database versions not stated): TOPMed 0.00001.
gnomAD v4.1: 4 of 1,614,032 alleles (0.00025%); highest among the groups gnomAD compares: East Asian, 0.0067%; no homozygotes.

Submissions (5):

Labcorp Genetics (formerly Invitae), Labcorp
Classification: Likely benign for Aortic aneurysm, familial thoracic 4. Last evaluated: 2025-03-31. Review status: criteria provided, single submitter. Criteria: Invitae Variant Classification Sherloc (09022015). Collection method: clinical testing. Allele origin: germline.

Women's Health and Genetics/Laboratory Corporation of America, LabCorp
Classification: Likely benign. Last evaluated: 2023-04-09. Review status: criteria provided, single submitter. Criteria: LabCorp Variant Classification Summary - May 2015. Collection method: clinical testing. Allele origin: germline.

All of Us Research Program, National Institutes of Health
Classification: Likely benign for Familial thoracic aortic aneurysm and aortic dissection. Last evaluated: 2023-02-24. Review status: criteria provided, single submitter. Criteria: ACMG Guidelines, 2015. Collection method: clinical testing. Allele origin: germline. Inheritance: Autosomal dominant inheritance. Observed: 1 variant allele, 1 heterozygote.
Comment: This study involves interpretation of variants in research participants for the purpose of population health screening. Participant phenotype was not available at the time of variant classification. Additional details can be found in publication PMID: 35346344, PMCID: PMC8962531

Ambry Genetics
Classification: Likely benign for Familial thoracic aortic aneurysm and aortic dissection. Last evaluated: 2019-12-30. Review status: criteria provided, single submitter. Criteria: Ambry Variant Classification Scheme 2023. Collection method: clinical testing. Allele origin: germline.

Color Diagnostics, LLC DBA Color Health
Classification: Likely benign for Familial thoracic aortic aneurysm and aortic dissection. Last evaluated: 2019-07-26. Review status: criteria provided, single submitter. Criteria: ACMG Guidelines, 2015. Collection method: clinical testing. Allele origin: germline.